The following is an entry in ClinVar:

ClinVar aggregate classification (germline): Uncertain significance (1 of 4 stars; one submission).

Conditions:
Familial adenomatous polyposis 1 (FAP1). Also called: FAMILIAL ADENOMATOUS POLYPOSIS 1, ATTENUATED; POLYPOSIS, ADENOMATOUS INTESTINAL. Identifiers: MedGen C2713442, MONDO:0021056, OMIM 175100. Disease mechanism: loss of function.

Submission:

Labcorp Genetics (formerly Invitae), Labcorp
Classification: Uncertain significance for Familial adenomatous polyposis 1. Last evaluated: 2023-07-10. Review status: criteria provided, single submitter. Criteria: Invitae Variant Classification Sherloc (09022015). Collection method: clinical testing. Allele origin: germline.
Comment: This sequence change replaces alanine, which is neutral and non-polar, with valine, which is neutral and non-polar, at codon 1184 of the APC protein (p.Ala1184Val). In summary, the available evidence is currently insufficient to determine the role of this variant in disease. Therefore, it has been classified as a Variant of Uncertain Significance. Advanced modeling of protein sequence and biophysical properties (such as structural, functional, and spatial information, amino acid conservation, physicochemical variation, residue mobility, and thermodynamic stability) performed at Invitae indicates that this missense variant is not expected to disrupt APC protein function. This variant has not been reported in the literature in individuals affected with APC-related conditions. This variant is not present in population databases (gnomAD no frequency).

NM_000038.6(APC):c.3551C>T (p.Ala1184Val)

Gene: APC (APC regulator of Wnt signaling pathway; plus strand). Cytogenetic location: 5q22.2.
Variant type: single nucleotide variant.
Coding change: c.3551C>T on transcript NM_000038.6 (MANE Select); coding-DNA position 3551, C replaced by T.
Protein change: p.Ala1184Val; replaces alanine 1184 with valine.
Molecular consequence: missense variant. On other transcripts: non-coding transcript variant (2).
Genome position (GRCh38, 1-based): chr5:112,839,145, C>T. VCF-style: chr5-112839145-C-T. GRCh37 (hg19) VCF-style: chr5-112174842-C-T.
Other names: c.3551C>T, p.Ala1184Val (NM_001127510.3, NM_001354895.2, NM_001407450.1); c.3497C>T, p.Ala1166Val (NM_001127511.3); c.3605C>T, p.Ala1202Val (NM_001354896.2, NM_001407447.1, NM_001407448.1 and 1 more transcripts); c.3581C>T, p.Ala1194Val (NM_001354897.2); c.3476C>T, p.Ala1159Val (NM_001354898.2); c.3467C>T, p.Ala1156Val (NM_001354899.2); c.3428C>T, p.Ala1143Val (NM_001354900.2); c.3374C>T, p.Ala1125Val (NM_001354901.2, NM_001407453.1); and 11 more; short protein forms A1055V, A1093V, A1143V, A1156V, A1184V, A1202V, A901V, A1058V.
Identifiers: ClinVar variation 2882216 (VCV002882216.3), dbSNP rs2149894163, ClinGen allele CA16029138.